The following is an entry in ClinVar:

NM_007254.4(PNKP):c.1298+19C>T

Gene: PNKP (polynucleotide kinase 3'-phosphatase; minus strand). Cytogenetic location: 19q13.33.
Variant type: single nucleotide variant.
Coding change: c.1298+19C>T on transcript NM_007254.4 (MANE Select); 19 bases into the intron after coding-DNA position 1298, C replaced by T.
Molecular consequence: intron variant.
Genome position (GRCh38, 1-based): chr19:49,861,753, G>A on the plus strand (C>T on the coding strand, the complement: PNKP is on the minus strand). VCF-style: chr19-49861753-G-A. GRCh37 (hg19) VCF-style: chr19-50365010-G-A.
Identifiers: ClinVar variation 378400 (VCV000378400.10), dbSNP rs541129252, ClinGen allele CA9586473.
Genomic context (GRCh38, chr19:49,861,753, plus strand): 5'-TACCTGTGGGGGAAGGAGCTGGATGTGCAGGCCCCGCCCACCCCGCCGCAGGCCACCTAC[G>A]GCCCCGCGGTCACGCTACCTGGCGCGGCTCGCGGCGTCTGGGTTTGTGTTGTCGATGGCG-3'

ClinVar aggregate classification (germline): Benign/Likely benign. Review status: criteria provided, multiple submitters, no conflicts (2 of 4 stars). 3 submissions from 3 submitters: Benign (1); Likely benign (2). Last evaluated 2026-01-08.

Conditions:
Developmental and epileptic encephalopathy, 12 (DEE12). Identifiers: MedGen C3150988, MONDO:0013389, OMIM 613722.

Allele frequency attached by ClinVar (database versions not stated): gnomAD exomes 0.00005; TOPMed 0.00006; gnomAD 0.00007; 1000 Genomes Project 30x 0.00016; 1000 Genomes Project 0.00020; ExAC 0.00005.
gnomAD v4.1: 137 of 1,558,942 alleles (0.0088%); highest among the groups gnomAD compares: African/African-American, 0.015%; no homozygotes.

Submissions (3):

Labcorp Genetics (formerly Invitae), Labcorp
Classification: Likely benign for Developmental and epileptic encephalopathy, 12. Last evaluated: 2026-01-08. Review status: criteria provided, single submitter. Criteria: Invitae Variant Classification Sherloc (09022015). Collection method: clinical testing. Allele origin: germline.

Blueprint Genetics
Classification: Likely benign. Last evaluated: 2023-09-29. Review status: criteria provided, single submitter. Criteria: ACMG Guidelines, 2015. Collection method: clinical testing. Allele origin: germline.

GeneDx
Classification: Benign. Last evaluated: 2015-08-27. Review status: criteria provided, single submitter. Criteria: GeneDx Variant Classification (06012015). Collection method: clinical testing. Allele origin: germline. Affected: yes.
Comment: This variant is considered likely benign or benign based on one or more of the following criteria: it is a conservative change, it occurs at a poorly conserved position in the protein, it is predicted to be benign by multiple in silico algorithms, and/or has population frequency not consistent with disease.